The following is an entry in ClinVar:

NM_006005.3(WFS1):c.1218C>T (p.Ala406=)

Gene: WFS1 (wolframin ER transmembrane glycoprotein; plus strand). Cytogenetic location: 4p16.1.
Variant type: single nucleotide variant.
Coding change: c.1218C>T on transcript NM_006005.3 (MANE Select); coding-DNA position 1218, C replaced by T.
Protein change: p.Ala406=; no amino-acid change (alanine 406 retained).
Molecular consequence: synonymous variant.
Genome position (GRCh38, 1-based): chr4:6,301,013, C>T. VCF-style: chr4-6301013-C-T. GRCh37 (hg19) VCF-style: chr4-6302740-C-T.
Other names: c.1218C>T, p.Ala406= (NM_001145853.1).
Identifiers: ClinVar variation 3045380 (VCV003045380.2), dbSNP rs1730871279, ClinGen allele CA438368186.

ClinVar aggregate classification (germline): Likely benign (0 of 4 stars; one submission).

Conditions:
WFS1-related disorder. Identifiers: MedGen CN379391, MONDO:0700293.

gnomAD v4.1: 1 of 1,614,036 alleles (0.000062%); highest among the groups gnomAD compares: Non-Finnish European, 0.000085%; no homozygotes.

Submission:

PreventionGenetics, part of Exact Sciences
Classification: Likely benign for WFS1-related condition. Last evaluated: 2022-05-12. Review status: no assertion criteria provided. Collection method: clinical testing. Allele origin: germline.
Comment: This variant is classified as likely benign based on ACMG/AMP sequence variant interpretation guidelines (Richards et al. 2015 PMID: 25741868, with internal and published modifications).